The following is an entry in ClinVar:

NM_001903.5(CTNNA1):c.446A>C (p.Lys149Thr)

Gene: CTNNA1 (catenin alpha 1; plus strand). Cytogenetic location: 5q31.2.
Variant type: single nucleotide variant.
Coding change: c.446A>C on transcript NM_001903.5 (MANE Select); coding-DNA position 446, A replaced by C.
Protein change: p.Lys149Thr; replaces lysine 149 with threonine.
Molecular consequence: missense variant.
Genome position (GRCh38, 1-based): chr5:138,810,182, A>C. VCF-style: chr5-138810182-A-C. GRCh37 (hg19) VCF-style: chr5-138145871-A-C.
Other names: c.446A>C, p.Lys149Thr (NM_001290307.3, NM_001323982.2, NM_001323983.1 and 3 more transcripts); c.137A>C, p.Lys46Thr (NM_001290309.3); c.77A>C, p.Lys26Thr (NM_001290310.3); short protein forms K149T, K26T, K46T.
Identifiers: ClinVar variation 1010213 (VCV001010213.12), dbSNP rs1015730449, ClinGen allele CA361123624.

ClinVar aggregate classification (germline): Uncertain significance. Review status: criteria provided, multiple submitters, no conflicts (2 of 4 stars). 3 submissions from 3 submitters: Uncertain significance (3). Last evaluated 2024-03-16.

Conditions:
Patterned macular dystrophy 2. Identifiers: Orphanet 99001, MedGen C1837029, MONDO:0012162, OMIM 608970.
Hereditary cancer-predisposing syndrome. Also called: Tumor predisposition; Hereditary neoplastic syndrome; Neoplastic Syndromes, Hereditary; Hereditary Cancer Syndrome. Identifiers: Orphanet 140162, MedGen C0027672, MeSH D009386, MONDO:0015356.

Allele frequency attached by ClinVar (database versions not stated): TOPMed below 0.00001; gnomAD 0.00001.
gnomAD v4.1: 12 of 1,613,938 alleles (0.00074%); highest among the groups gnomAD compares: Non-Finnish European, 0.00093%; no homozygotes.

Submissions (3):

Baylor Genetics
Classification: Uncertain significance for Patterned macular dystrophy 2. Last evaluated: 2024-03-16. Review status: criteria provided, single submitter. Criteria: ACMG Guidelines, 2015. Collection method: clinical testing. Allele origin: unknown.

Labcorp Genetics (formerly Invitae), Labcorp
Classification: Uncertain significance. Last evaluated: 2024-02-15. Review status: criteria provided, single submitter. Criteria: Invitae Variant Classification Sherloc (09022015). Collection method: clinical testing. Allele origin: germline.
Comment: This sequence change replaces lysine, which is basic and polar, with threonine, which is neutral and polar, at codon 149 of the CTNNA1 protein (p.Lys149Thr). This variant is not present in population databases (gnomAD no frequency). This variant has not been reported in the literature in individuals affected with CTNNA1-related conditions. ClinVar contains an entry for this variant (Variation ID: 1010213). Advanced modeling of protein sequence and biophysical properties (such as structural, functional, and spatial information, amino acid conservation, physicochemical variation, residue mobility, and thermodynamic stability) performed at Invitae indicates that this missense variant is not expected to disrupt CTNNA1 protein function with a negative predictive value of 80%. In summary, the available evidence is currently insufficient to determine the role of this variant in disease. Therefore, it has been classified as a Variant of Uncertain Significance.

Ambry Genetics
Classification: Uncertain significance for Hereditary cancer-predisposing syndrome. Last evaluated: 2024-01-13. Review status: criteria provided, single submitter. Criteria: Ambry Variant Classification Scheme 2023. Collection method: clinical testing. Allele origin: germline.
Comment: The p.K149T variant (also known as c.446A>C), located in coding exon 3 of the CTNNA1 gene, results from an A to C substitution at nucleotide position 446. The lysine at codon 149 is replaced by threonine, an amino acid with similar properties. This amino acid position is conserved. In addition, this alteration is predicted to be tolerated by in silico analysis. Since supporting evidence is limited at this time, the clinical significance of this alteration remains unclear.